The following is an entry in ClinVar:

ClinVar aggregate classification (germline): Uncertain significance (1 of 4 stars; one submission).

Conditions:
Familial thoracic aortic aneurysm and aortic dissection (TAAD). Also called: Thoracic aortic aneurysms and dissections. Identifiers: Orphanet 91387, MedGen C4707243, MONDO:0019625.

Submission:

Ambry Genetics
Classification: Uncertain significance for Familial thoracic aortic aneurysm and aortic dissection. Last evaluated: 2022-07-29. Review status: criteria provided, single submitter. Criteria: Ambry Variant Classification Scheme 2023. Collection method: clinical testing. Allele origin: germline.
Comment: The p.H1176R variant (also known as c.3527A>G), located in coding exon 22 of the NOTCH1 gene, results from an A to G substitution at nucleotide position 3527. The histidine at codon 1176 is replaced by arginine, an amino acid with highly similar properties. This amino acid position is conserved. In addition, the in silico prediction for this alteration is inconclusive. Since supporting evidence is limited at this time, the clinical significance of this alteration remains unclear.

NM_017617.5(NOTCH1):c.3527A>G (p.His1176Arg)

Gene: NOTCH1 (notch receptor 1; minus strand). Cytogenetic location: 9q34.3.
Variant type: single nucleotide variant.
Coding change: c.3527A>G on transcript NM_017617.5 (MANE Select); coding-DNA position 3527, A replaced by G.
Protein change: p.His1176Arg; replaces histidine 1176 with arginine.
Molecular consequence: missense variant.
Genome position (GRCh38, 1-based): chr9:136,507,421, T>C on the plus strand (A>G on the coding strand, the complement: NOTCH1 is on the minus strand). VCF-style: chr9-136507421-T-C. GRCh37 (hg19) VCF-style: chr9-139401873-T-C.
Other names: short protein forms H1176R.
Identifiers: ClinVar variation 1732309 (VCV001732309.2), dbSNP rs2540441414, ClinGen allele CA375550120.
Genomic context (GRCh38, chr9:136,507,421, plus strand): 5'-CCCCCGTTCTGGCAGGGGTGGGAGAGGCACTCGTCGATCTCCTCAGAGCAGTTCACCCCG[T>C]GGTAGCCGGCCACGCACTGTGCAGGCGACAGAACGAGGGGCCCTTCGGCTCAGCCGGCGC-3'
Protein context (NP_060087.3, residues 1166-1186): GYSCKCVAGY[His1176Arg]GVNCSEEIDE